The following is an entry in ClinVar:

ClinVar aggregate classification (germline): Likely pathogenic (0 of 4 stars; one submission).

Conditions:
Familial hematuria. Identifiers: MedGen C1305904.

Submission:

Molecular Medicine Research Center, University of Cyprus
Classification: Likely pathogenic for Familial hematuria. Review status: no assertion criteria provided. Collection method: phenotyping only. Allele origin: not applicable. Inheritance: Oligogenic inheritance.
Comment: Possibly digenic inheritance, along with a mutation on LAMA5 gene

NM_033380.3(COL4A5):c.1960G>T (p.Asp654Tyr)

Gene: COL4A5 (collagen type IV alpha 5 chain; plus strand). Cytogenetic location: Xq22.3.
Variant type: single nucleotide variant.
Coding change: c.1960G>T on transcript NM_033380.3 (MANE Select); coding-DNA position 1960, G replaced by T.
Protein change: p.Asp654Tyr; replaces aspartic acid 654 with tyrosine.
Molecular consequence: missense variant.
Genome position (GRCh38, 1-based): chrX:108,601,404, G>T. VCF-style: chrX-108601404-G-T. GRCh37 (hg19) VCF-style: chrX-107844634-G-T.
Other names: COL4A5p.D654Y; c.1960G>T, p.Asp654Tyr (NM_000495.5); short protein forms D654Y.
Identifiers: ClinVar variation 430716 (VCV000430716.1), dbSNP rs1131692060, ClinGen allele CA413846678.
Genomic context (GRCh38, chrX:108,601,404, plus strand): 5'-TAGTTGAGTAAATACTTCTCATTTACCATTGATTTACTCTTGCTTTCAGGTCCTAAAGGG[G>T]ATCCAGGTCAGACTATAACCCAGCCGGGGAAGCCTGGCTTGCCTGGTAACCCAGGCAGAG-3'
Protein context (NP_203699.1, residues 644-664): GQPGIPGPKG[Asp654Tyr]PGQTITQPGK